The following is an entry in ClinVar:

ClinVar aggregate classification (germline): Uncertain significance (1 of 4 stars; one submission).

Conditions:
Hereditary cancer-predisposing syndrome. Also called: Hereditary Cancer Syndrome; Neoplastic Syndromes, Hereditary; Tumor predisposition; Hereditary neoplastic syndrome. Identifiers: Orphanet 140162, MedGen C0027672, MeSH D009386, MONDO:0015356.

Submission:

Ambry Genetics
Classification: Uncertain significance for Hereditary cancer-predisposing syndrome. Last evaluated: 2022-07-28. Review status: criteria provided, single submitter. Criteria: Ambry Variant Classification Scheme 2023. Collection method: clinical testing. Allele origin: germline.
Comment: The c.519C>T variant (also known as p.G173G), located in coding exon 3 of the NTHL1 gene, results from a C to T substitution at nucleotide position 519. This nucleotide substitution does not change the glycine at codon 173. This nucleotide position is not well conserved in available vertebrate species. In silico splice site analysis predicts that this alteration will weaken the native splice donor site and will result in the creation or strengthening of a novel splice donor site. Since supporting evidence is limited at this time, the clinical significance of this alteration remains unclear.

NM_002528.7(NTHL1):c.495C>T (p.Gly165=)

Gene: NTHL1 (nth like DNA glycosylase 1; minus strand). Cytogenetic location: 16p13.3.
Variant type: single nucleotide variant.
Coding change: c.495C>T on transcript NM_002528.7 (MANE Select); coding-DNA position 495, C replaced by T.
Protein change: p.Gly165=; no amino-acid change (glycine 165 retained).
Molecular consequence: synonymous variant. On other transcripts: intron variant (1).
Genome position (GRCh38, 1-based): chr16:2,044,660, G>A on the plus strand (C>T on the coding strand, the complement: NTHL1 is on the minus strand). VCF-style: chr16-2044660-G-A. GRCh37 (hg19) VCF-style: chr16-2094661-G-A.
Other names: c.165C>T, p.Gly55= (NM_001318194.2); c.355-934C>T (NM_001318193.2).
Identifiers: ClinVar variation 1745973 (VCV001745973.2), dbSNP rs2150942226, ClinGen allele CA492952754.